The following is an entry in ClinVar:

NM_006206.6(PDGFRA):c.2397C>G (p.Thr799=)

Gene: PDGFRA (platelet derived growth factor receptor alpha; plus strand). Cytogenetic location: 4q12.
Variant type: single nucleotide variant.
Coding change: c.2397C>G on transcript NM_006206.6 (MANE Select); coding-DNA position 2397, C replaced by G.
Protein change: p.Thr799=; no amino-acid change (threonine 799 retained).
Molecular consequence: synonymous variant.
Genome position (GRCh38, 1-based): chr4:54,285,444, C>G. VCF-style: chr4-54285444-C-G. GRCh37 (hg19) VCF-style: chr4-55151611-C-G.
Other names: c.2397C>G (NM_006206.5); c.2472C>G, p.Thr824= (NM_001347828.2); c.2397C>G, p.Thr799= (NM_001347829.2); c.2436C>G, p.Thr812= (NM_001347830.2).
Identifiers: ClinVar variation 1790631 (VCV001790631.6), dbSNP rs1560488978, ClinGen allele CA439287697.

ClinVar aggregate classification (germline): Likely benign. Review status: criteria provided, multiple submitters, no conflicts (2 of 4 stars). 3 submissions from 3 submitters: Likely benign (3). Last evaluated 2026-03-31.

Conditions:
Gastrointestinal stromal tumor. Also called: Gastrointestinal stromal tumor, somatic; Gastrointestinal stroma tumor. Identifiers: Orphanet 44890, MedGen C0238198, MeSH D046152, MONDO:0011719, OMIM 606764, HP:0100723.
PDGFRA-related disorder. Also called: PDGFRA-related condition.
Hereditary cancer-predisposing syndrome. Also called: Tumor predisposition; Hereditary neoplastic syndrome; Hereditary Cancer Syndrome; Neoplastic Syndromes, Hereditary. Identifiers: Orphanet 140162, MedGen C0027672, MeSH D009386, MONDO:0015356.

Submissions (3):

PreventionGenetics, part of Exact Sciences
Classification: Likely benign for PDGFRA-related condition. Last evaluated: 2026-03-31. Review status: criteria provided, single submitter. Criteria: ACMG Guidelines, 2015. Collection method: clinical testing. Allele origin: germline.
Comment: This variant is classified as likely benign based on ACMG/AMP sequence variant interpretation guidelines (Richards et al. 2015 PMID: 25741868, with internal and published modifications).

Labcorp Genetics (formerly Invitae), Labcorp
Classification: Likely benign for Gastrointestinal stromal tumor. Last evaluated: 2023-09-19. Review status: criteria provided, single submitter. Criteria: Invitae Variant Classification Sherloc (09022015). Collection method: clinical testing. Allele origin: germline.

Ambry Genetics
Classification: Likely benign for Hereditary cancer-predisposing syndrome. Last evaluated: 2022-07-29. Review status: criteria provided, single submitter. Criteria: Ambry Variant Classification Scheme 2023. Collection method: clinical testing. Allele origin: germline.